The following is an entry in ClinVar:

ClinVar aggregate classification (germline): Uncertain significance (1 of 4 stars; one submission).

Allele frequency attached by ClinVar (database versions not stated): TOPMed below 0.00001.

Submission:

Labcorp Genetics (formerly Invitae), Labcorp
Classification: Uncertain significance. Last evaluated: 2025-05-19. Review status: criteria provided, single submitter. Criteria: Invitae Variant Classification Sherloc (09022015). Collection method: clinical testing. Allele origin: germline.
Comment: This sequence change replaces serine, which is neutral and polar, with proline, which is neutral and non-polar, at codon 48 of the CYCS protein (p.Ser48Pro). This variant is present in population databases (rs11548783, gnomAD 0.002%). This variant has not been reported in the literature in individuals affected with CYCS-related conditions. ClinVar contains an entry for this variant (Variation ID: 1941675). An algorithm developed to predict the effect of missense changes on protein structure and function (PolyPhen-2) suggests that this variant is likely to be tolerated. In summary, the available evidence is currently insufficient to determine the role of this variant in disease. Therefore, it has been classified as a Variant of Uncertain Significance.

NM_018947.6(CYCS):c.142T>C (p.Ser48Pro)

Gene: CYCS (cytochrome c, somatic; minus strand). Cytogenetic location: 7p15.3.
Variant type: single nucleotide variant.
Coding change: c.142T>C on transcript NM_018947.6 (MANE Select); coding-DNA position 142, T replaced by C.
Protein change: p.Ser48Pro; replaces serine 48 with proline.
Molecular consequence: missense variant.
Genome position (GRCh38, 1-based): chr7:25,123,978, A>G on the plus strand (T>C on the coding strand, the complement: CYCS is on the minus strand). VCF-style: chr7-25123978-A-G. GRCh37 (hg19) VCF-style: chr7-25163597-A-G.
Other names: short protein forms S48P.
Identifiers: ClinVar variation 1941675 (VCV001941675.5), dbSNP rs11548783, ClinGen allele CA154877733.